The following is an entry in ClinVar:

NM_014112.5(TRPS1):c.3469T>C (p.Tyr1157His)

Gene: TRPS1 (transcriptional repressor GATA binding 1; minus strand). Cytogenetic location: 8q23.3.
Variant type: single nucleotide variant.
Coding change: c.3469T>C on transcript NM_014112.5 (MANE Select); coding-DNA position 3469, T replaced by C.
Protein change: p.Tyr1157His; replaces tyrosine 1157 with histidine.
Molecular consequence: missense variant.
Genome position (GRCh38, 1-based): chr8:115,414,439, A>G on the plus strand (T>C on the coding strand, the complement: TRPS1 is on the minus strand). VCF-style: chr8-115414439-A-G. GRCh37 (hg19) VCF-style: chr8-116426667-A-G.
Other names: c.3442T>C, p.Tyr1148His (NM_001282902.3); c.3448T>C, p.Tyr1150His (NM_001282903.3); c.3430T>C, p.Tyr1144His (NM_001330599.2); short protein forms Y1144H, Y1148H, Y1150H, Y1157H.
Identifiers: ClinVar variation 3758485 (VCV003758485.2).

ClinVar aggregate classification (germline): Uncertain significance (1 of 4 stars; one submission).

Conditions:
Trichorhinophalangeal dysplasia type I (TRPS1). Also called: TRICHORHINOPHALANGEAL SYNDROME, TYPE I; TRPS I. Identifiers: Orphanet 77258, MedGen C0432233, MONDO:0008596, OMIM 190350.
Trichorhinophalangeal syndrome, type III (TRPS3). Also called: SUGIO-KAJII SYNDROME. Identifiers: Orphanet 77258, MedGen C1860823, OMIM 190351, MONDO:0008597.

Submission:

Labcorp Genetics (formerly Invitae), Labcorp
Classification: Uncertain significance for Trichorhinophalangeal syndrome, type III; Trichorhinophalangeal dysplasia type I. Last evaluated: 2024-10-08. Review status: criteria provided, single submitter. Criteria: Invitae Variant Classification Sherloc (09022015). Collection method: clinical testing. Allele origin: germline.
Comment: This sequence change replaces tyrosine, which is neutral and polar, with histidine, which is basic and polar, at codon 1157 of the TRPS1 protein (p.Tyr1157His). This variant is not present in population databases (gnomAD no frequency). This variant has not been reported in the literature in individuals affected with TRPS1-related conditions. Invitae Evidence Modeling of protein sequence and biophysical properties (such as structural, functional, and spatial information, amino acid conservation, physicochemical variation, residue mobility, and thermodynamic stability) indicates that this missense variant is expected to disrupt TRPS1 protein function with a positive predictive value of 80%. In summary, the available evidence is currently insufficient to determine the role of this variant in disease. Therefore, it has been classified as a Variant of Uncertain Significance.